The following is an entry in ClinVar:

ClinVar aggregate classification (germline): Uncertain significance. Review status: criteria provided, multiple submitters, no conflicts (2 of 4 stars). 2 submissions from 2 submitters: Uncertain significance (2). Last evaluated 2025-03-14.

Conditions:
3-hydroxy-3-methylglutaryl-CoA synthase deficiency (HMGCS2D). Also called: HMGCS2 DEFICIENCY; MITOCHONDRIAL HMG-CoA SYNTHASE DEFICIENCY; HMG-CoA synthase-2 deficiency. Identifiers: Orphanet 35701, MedGen C2751532, MONDO:0011614, OMIM 605911.
Inborn genetic diseases. Identifiers: MedGen C0950123, MeSH D030342.

Allele frequency attached by ClinVar (database versions not stated): ExAC 0.00002; gnomAD 0.00003; gnomAD exomes 0.00003; TOPMed 0.00003; ESP Exome Variant Server 0.00015.
gnomAD v4.1: 45 of 1,613,986 alleles (0.0028%); highest among the groups gnomAD compares: Non-Finnish European, 0.0035%; no homozygotes.

Submissions (2):

Ambry Genetics
Classification: Uncertain significance for Inborn genetic diseases. Last evaluated: 2025-03-14. Review status: criteria provided, single submitter. Criteria: Ambry Variant Classification Scheme 2023. Collection method: clinical testing. Allele origin: germline.

Labcorp Genetics (formerly Invitae), Labcorp
Classification: Uncertain significance for 3-hydroxy-3-methylglutaryl-CoA synthase deficiency. Last evaluated: 2019-02-07. Review status: criteria provided, single submitter. Criteria: Invitae Variant Classification Sherloc (09022015). Collection method: clinical testing. Allele origin: germline.
Comment: In summary, the available evidence is currently insufficient to determine the role of this variant in disease. Therefore, it has been classified as a Variant of Uncertain Significance. Algorithms developed to predict the effect of missense changes on protein structure and function are either unavailable or do not agree on the potential impact of this missense change (SIFT: "Tolerated"; PolyPhen-2: "Probably Damaging"; Align-GVGD: "Class C0"). This variant has not been reported in the literature in individuals with HMGCS2-related conditions. This variant is present in population databases (rs144103604, ExAC 0.009%). This sequence change replaces aspartic acid with asparagine at codon 294 of the HMGCS2 protein (p.Asp294Asn). The aspartic acid residue is moderately conserved and there is a small physicochemical difference between aspartic acid and asparagine.

NM_005518.4(HMGCS2):c.880G>A (p.Asp294Asn)

Gene: HMGCS2 (3-hydroxy-3-methylglutaryl-CoA synthase 2; minus strand). Cytogenetic location: 1p12.
Variant type: single nucleotide variant.
Coding change: c.880G>A on transcript NM_005518.4 (MANE Select); coding-DNA position 880, G replaced by A.
Protein change: p.Asp294Asn; replaces aspartic acid 294 with asparagine.
Molecular consequence: missense variant.
Genome position (GRCh38, 1-based): chr1:119,757,409, C>T on the plus strand (G>A on the coding strand, the complement: HMGCS2 is on the minus strand). VCF-style: chr1-119757409-C-T. GRCh37 (hg19) VCF-style: chr1-120300032-C-T.
Other names: c.754G>A, p.Asp252Asn (NM_001166107.1); short protein forms D252N, D294N.
Identifiers: ClinVar variation 838873 (VCV000838873.8), dbSNP rs144103604, ClinGen allele CA1037738.